The following is an entry in ClinVar:

NM_002430.3(MN1):c.1A>G (p.Met1Val)

Gene: MN1 (MN1 proto-oncogene, transcriptional regulator; minus strand). Cytogenetic location: 22q12.1.
Variant type: single nucleotide variant.
Coding change: c.1A>G on transcript NM_002430.3 (MANE Select); coding-DNA position 1, A replaced by G.
Protein change: p.Met1Val; changes the start codon (methionine 1).
Molecular consequence: missense variant, initiator codon variant.
Genome position (GRCh38, 1-based): chr22:27,800,543, T>C on the plus strand (A>G on the coding strand, the complement: MN1 is on the minus strand). VCF-style: chr22-27800543-T-C. GRCh37 (hg19) VCF-style: chr22-28196531-T-C.
Other names: short protein forms M1V.
Identifiers: ClinVar variation 4883829 (VCV004883829.2).
Genomic context (GRCh38, chr22:27,800,543, plus strand): 5'-TCTCGCCCTGGCCAGCGTTCCTGCTGTTGACCTGGGGCTCGAATTGGTCCAGCCCAAACA[T>C]ACTTGGCGGGGGGCAGAGGGGGATCAATAGGGCATGACAGCCGGCTCTCCGCGGCGCGCC-3'
Protein context (NP_002421.3, residues 1-11): [Met1Val]FGLDQFEPQV

ClinVar aggregate classification (germline): Uncertain significance (1 of 4 stars; one submission).

Submission:

Dasa
Classification: Uncertain significance. Last evaluated: 2025-02-24. Review status: criteria provided, single submitter. Criteria: DASA Assertion Criteria. Collection method: clinical testing. Allele origin: germline.
Comment: NM_002430.3(MN1):c.1A>G (p.Met1?) is a start-loss variant predicted to alter the translation initiation codon and impair normal protein translation. This variant is absent from population databases. The currently available literature and clinical evidence are not sufficient to establish a definitive association between this variant and the reported condition. Therefore, this variant is classified as a variant of uncertain significance.